The following is an entry in ClinVar:

NM_002490.6(NDUFA6):c.41G>A (p.Ser14Asn)

Gene: NDUFA6 (NADH:ubiquinone oxidoreductase subunit A6; minus strand). Cytogenetic location: 22q13.2.
Variant type: single nucleotide variant.
Coding change: c.41G>A on transcript NM_002490.6 (MANE Select); coding-DNA position 41, G replaced by A.
Protein change: p.Ser14Asn; replaces serine 14 with asparagine.
Molecular consequence: missense variant.
Genome position (GRCh38, 1-based): chr22:42,090,704, C>T on the plus strand (G>A on the coding strand, the complement: NDUFA6 is on the minus strand). VCF-style: chr22-42090704-C-T. GRCh37 (hg19) VCF-style: chr22-42486708-C-T.
Other names: short protein forms S14N.
Identifiers: ClinVar variation 2958750 (VCV002958750.3), dbSNP rs374850007, ClinGen allele CA10264430.
Genomic context (GRCh38, chr22:42,090,704, plus strand): 5'-TCGCGCACCCTCCGCTTGGCCTCGTTCATGTCCCGACTGAAAATGGGCTTCACGAAGGTG[C>T]TGGCGGTAGAAGTAGCTTGGCGGACGCCGCTCCCCGCCATCTTGCCAAAGCATCCACTCC-3'
Protein context (NP_002481.3, residues 4-24): SGVRQATSTA[Ser14Asn]TFVKPIFSRD

ClinVar aggregate classification (germline): Uncertain significance (1 of 4 stars; one submission).

Allele frequency attached by ClinVar (database versions not stated): ExAC 0.00001; gnomAD 0.00001; gnomAD exomes 0.00001; TOPMed 0.00001; ESP Exome Variant Server 0.00008.

Submission:

Labcorp Genetics (formerly Invitae), Labcorp
Classification: Uncertain significance. Last evaluated: 2024-01-03. Review status: criteria provided, single submitter. Criteria: Invitae Variant Classification Sherloc (09022015). Collection method: clinical testing. Allele origin: germline.
Comment: This sequence change replaces serine, which is neutral and polar, with asparagine, which is neutral and polar, at codon 40 of the NDUFA6 protein (p.Ser40Asn). This variant is present in population databases (rs374850007, gnomAD 0.006%). This variant has not been reported in the literature in individuals affected with NDUFA6-related conditions. Algorithms developed to predict the effect of missense changes on protein structure and function output the following: SIFT: "Not Available"; PolyPhen-2: "Benign"; Align-GVGD: "Not Available". The asparagine amino acid residue is found in multiple mammalian species, which suggests that this missense change does not adversely affect protein function. In summary, the available evidence is currently insufficient to determine the role of this variant in disease. Therefore, it has been classified as a Variant of Uncertain Significance.